The following is an entry in ClinVar:

NM_000435.3(NOTCH3):c.566A>G (p.Tyr189Cys)

Gene: NOTCH3 (notch receptor 3; minus strand). Cytogenetic location: 19p13.12.
Variant type: single nucleotide variant.
Coding change: c.566A>G on transcript NM_000435.3 (MANE Select); coding-DNA position 566, A replaced by G.
Protein change: p.Tyr189Cys; replaces tyrosine 189 with cysteine.
Molecular consequence: missense variant.
Genome position (GRCh38, 1-based): chr19:15,192,073, T>C on the plus strand (A>G on the coding strand, the complement: NOTCH3 is on the minus strand). VCF-style: chr19-15192073-T-C. GRCh37 (hg19) VCF-style: chr19-15302884-T-C.
Other names: short protein forms Y189C.
Identifiers: ClinVar variation 1256529 (VCV001256529.4), dbSNP rs2145441610, ClinGen allele CA404533534.

ClinVar aggregate classification (germline): Pathogenic. Review status: criteria provided, multiple submitters, no conflicts (2 of 4 stars). 3 submissions from 3 submitters: Pathogenic (3). Last evaluated 2025-12-05.

Submissions (3):

Dasa
Classification: Pathogenic. Last evaluated: 2025-12-05. Review status: criteria provided, single submitter. Criteria: DASA Assertion Criteria. Collection method: clinical testing. Allele origin: germline.
Comment: NM_000435.3(NOTCH3):c.566A>G (p.Tyr189Cys) is a missense variant that results in the substitution of tyrosine with cysteine. Segregation evidence has been reported in affected families. This variant has been recurrently observed in individuals with related phenotype (PMID: 32337960; PMID: 22422895; PMID: 28710804; PMID: 25623805; PMID: 15229130). Multiple computational predictions support a deleterious effect on the gene or gene product. The variant is present at low frequency in population datasets. Based on the available data, this variant is classified as pathogenic.

Labcorp Genetics (formerly Invitae), Labcorp
Classification: Pathogenic. Last evaluated: 2024-07-15. Review status: criteria provided, single submitter. Criteria: Invitae Variant Classification Sherloc (09022015). Collection method: clinical testing. Allele origin: germline.
Comment: This sequence change replaces tyrosine, which is neutral and polar, with cysteine, which is neutral and slightly polar, at codon 189 of the NOTCH3 protein (p.Tyr189Cys). This variant is not present in population databases (gnomAD no frequency). This missense change has been observed in individuals with cerebral arteriopathy with subcortical infarcts and leukoencephalopathy (PMID: 15229130, 22422895, 25623805, 28710804, 32337960). It has also been observed to segregate with disease in related individuals. ClinVar contains an entry for this variant (Variation ID: 1256529). Advanced modeling of protein sequence and biophysical properties (such as structural, functional, and spatial information, amino acid conservation, physicochemical variation, residue mobility, and thermodynamic stability) performed at Invitae indicates that this missense variant is expected to disrupt NOTCH3 protein function with a positive predictive value of 95%. For these reasons, this variant has been classified as Pathogenic.

Athena Diagnostics
Classification: Pathogenic. Last evaluated: 2020-11-16. Review status: criteria provided, single submitter. Criteria: Athena Diagnostics criteria. Collection method: clinical testing. Allele origin: unknown.
Comment: This variant has not been reported in large, multi-ethnic general populations. This variant alters a critical location within the protein, and is expected to severely affect function and cause disease. Greater than 90% of NOTCH3 pathogenic mutations associated with CADASIL involve the gain or loss of a cysteine residue within the epidermal growth factor (EGF)-like repeat domain (PMID: 32457593, 20301673).

Literature cited by the submitters: PubMed 32337960 (cited by 3 submitters); PubMed 22422895 (cited by 3 submitters); PubMed 28710804 (cited by Dasa and Labcorp Genetics (formerly Invitae), Labcorp); PubMed 25623805 (cited by Dasa and Labcorp Genetics (formerly Invitae), Labcorp); PubMed 15229130 (cited by 3 submitters); PubMed 12821764 (cited by Athena Diagnostics).